The following is an entry in ClinVar:

ClinVar aggregate classification (germline): Uncertain significance (1 of 4 stars; one submission).

Submission:

GeneDx
Classification: Uncertain significance. Last evaluated: 2024-07-09. Review status: criteria provided, single submitter. Criteria: GeneDx Variant Classification Process June 2021. Collection method: clinical testing. Allele origin: germline. Affected: yes.
Comment: In silico analysis supports that this missense variant has a deleterious effect on protein structure/function; Has not been previously published as pathogenic or benign to our knowledge

NM_198060.4(NRAP):c.4618C>T (p.Arg1540Trp)

Gene: NRAP (nebulin related anchoring protein; minus strand). Cytogenetic location: 10q25.3.
Variant type: single nucleotide variant.
Coding change: c.4618C>T on transcript NM_198060.4 (MANE Select); coding-DNA position 4618, C replaced by T.
Protein change: p.Arg1540Trp; replaces arginine 1540 with tryptophan.
Molecular consequence: missense variant.
Genome position (GRCh38, 1-based): chr10:113,592,220, G>A on the plus strand (C>T on the coding strand, the complement: NRAP is on the minus strand). VCF-style: chr10-113592220-G-A. GRCh37 (hg19) VCF-style: chr10-115351979-G-A.
Other names: c.4618C>T, p.Arg1540Trp (NM_001261463.2); c.4510C>T, p.Arg1504Trp (NM_001322945.2); c.4513C>T, p.Arg1505Trp (NM_006175.5); short protein forms R1504W, R1540W, R1505W.
Identifiers: ClinVar variation 3572770 (VCV003572770.1).